The following is an entry in ClinVar:

ClinVar aggregate classification (germline): Pathogenic (1 of 4 stars; one submission).

Submission:

Labcorp Genetics (formerly Invitae), Labcorp
Classification: Pathogenic. Last evaluated: 2023-08-09. Review status: criteria provided, single submitter. Criteria: Invitae Variant Classification Sherloc (09022015). Collection method: clinical testing. Allele origin: germline.
Comment: For these reasons, this variant has been classified as Pathogenic. Algorithms developed to predict the effect of sequence changes on RNA splicing suggest that this variant may disrupt the consensus splice site. This variant has not been reported in the literature in individuals affected with PHEX-related conditions. This variant is not present in population databases (gnomAD no frequency). This sequence change creates a premature translational stop signal (p.Val340Glyfs*15) in the PHEX gene. It is expected to result in an absent or disrupted protein product. Loss-of-function variants in PHEX are known to be pathogenic (PMID: 9097956, 9106524, 19219621).

Literature cited by the submitters: PubMed 9097956; PubMed 9106524; PubMed 19219621.

NM_000444.6(PHEX):c.1019del (p.Val340fs)

Gene: PHEX (phosphate regulating endopeptidase X-linked; plus strand). Cytogenetic location: Xp22.11.
Variant type: Deletion.
Coding change: c.1019del on transcript NM_000444.6 (MANE Select); coding-DNA position 1019, one base deleted (T; older notation c.1019delT).
Protein change: p.Val340fs; shifts the reading frame from valine 340.
Molecular consequence: frameshift variant.
Genome position (GRCh38, 1-based): chrX:22,099,091, T deleted. VCF-style (leftmost placement, unchanged base first): chrX-22099090-GT-G. GRCh37 (hg19) VCF-style: chrX-22117208-GT-G.
Other names: c.1019del, p.Val340fs (NM_001282754.2); short protein forms V340fs.
Identifiers: ClinVar variation 2747971 (VCV002747971.3), dbSNP rs2519779899, ClinGen allele CA2697552898.